The following is an entry in ClinVar:

ClinVar aggregate classification (germline): Uncertain significance (1 of 4 stars; one submission).

Conditions:
Charcot-Marie-Tooth Neuropathy X. Identifiers: MedGen CN118851.

Submission:

Labcorp Genetics (formerly Invitae), Labcorp
Classification: Uncertain significance for Charcot-Marie-Tooth Neuropathy X. Last evaluated: 2019-05-07. Review status: criteria provided, single submitter. Criteria: Invitae Variant Classification Sherloc (09022015). Collection method: clinical testing. Allele origin: germline.
Comment: In summary, the available evidence is currently insufficient to determine the role of this variant in disease. Therefore, it has been classified as a Variant of Uncertain Significance. This sequence change replaces valine with glycine at codon 170 of the GJB1 protein (p.Val170Gly). The valine residue is weakly conserved and there is a moderate physicochemical difference between valine and glycine. This variant is not present in population databases (ExAC no frequency). This variant has not been reported in the literature in individuals with GJB1-related conditions. Algorithms developed to predict the effect of missense changes on protein structure and function (SIFT, PolyPhen-2, Align-GVGD) all suggest that this variant is likely to be tolerated, but these predictions have not been confirmed by published functional studies and their clinical significance is uncertain.

NM_000166.6(GJB1):c.509T>G (p.Val170Gly)

Gene: GJB1 (gap junction protein beta 1; plus strand). Cytogenetic location: Xq13.1.
Variant type: single nucleotide variant.
Coding change: c.509T>G on transcript NM_000166.6 (MANE Select); coding-DNA position 509, T replaced by G.
Protein change: p.Val170Gly; replaces valine 170 with glycine.
Molecular consequence: missense variant.
Genome position (GRCh38, 1-based): chrX:71,224,216, T>G. VCF-style: chrX-71224216-T-G. GRCh37 (hg19) VCF-style: chrX-70444066-T-G.
Other names: c.509T>G, p.Val170Gly (NM_001097642.3); short protein forms V170G.
Identifiers: ClinVar variation 843282 (VCV000843282.9), dbSNP rs1602349512, ClinGen allele CA413502878.
Genomic context (GRCh38, chrX:71,224,216, plus strand): 5'-TGTATGTCTTTTATCTGCTCTACCCTGGCTATGCCATGGTGCGGCTGGTCAAGTGCGACG[T>G]CTACCCCTGCCCCAACACAGTGGACTGCTTCGTGTCCCGCCCCACCGAGAAAACCGTCTT-3'
Protein context (NP_000157.1, residues 160-180): YAMVRLVKCD[Val170Gly]YPCPNTVDCF